The following is an entry in ClinVar:

NM_198428.3(BBS9):c.1330-10G>T

Gene: BBS9 (Bardet-Biedl syndrome 9; plus strand). Cytogenetic location: 7p14.3.
Variant type: single nucleotide variant.
Coding change: c.1330-10G>T on transcript NM_198428.3 (MANE Select); 10 bases into the intron before coding-DNA position 1330, G replaced by T.
Molecular consequence: intron variant.
Genome position (GRCh38, 1-based): chr7:33,349,058, G>T. VCF-style: chr7-33349058-G-T. GRCh37 (hg19) VCF-style: chr7-33388670-G-T.
Other names: c.1330-10G>T (NM_198428.2, NM_001348036.1, NM_001362679.1 and 6 more transcripts); c.1057-10G>T (NM_001348038.3, NM_001348039.3); c.964-10G>T (NM_001348037.3, NM_001348045.3, NM_001348046.3 and 1 more transcripts); c.1195-10G>T (NM_001348042.3).
Identifiers: ClinVar variation 1987918 (VCV001987918.8), dbSNP rs779072984, ClinGen allele CA4214283.

ClinVar aggregate classification (germline): Conflicting classifications of pathogenicity. Review status: criteria provided, conflicting classifications (1 of 4 stars). 4 submissions from 4 submitters: Uncertain significance (1); Likely benign (2). 1 of the submissions does not count toward it. Last evaluated 2024-03-16.

Conditions:
Bardet-Biedl syndrome 9 (BBS9). Identifiers: Orphanet 110, MedGen C1859567, MONDO:0014437, OMIM 615986.
Bardet-Biedl syndrome (BBS). Identifiers: Orphanet 110, MedGen C0752166, MONDO:0015229.
BBS9-related disorder. Also called: BBS9-related condition.

Allele frequency attached by ClinVar (database versions not stated): gnomAD 0.00001; TOPMed 0.00001; ExAC 0.00002.
gnomAD v4.1: 16 of 1,564,234 alleles (0.001%); highest among the groups gnomAD compares: Admixed American, 0.0017%; no homozygotes.

Submissions (4):

Labcorp Genetics (formerly Invitae), Labcorp
Classification: Likely benign for Bardet-Biedl syndrome. Last evaluated: 2024-03-16. Review status: criteria provided, single submitter. Criteria: Invitae Variant Classification Sherloc (09022015). Collection method: clinical testing. Allele origin: germline.

Fulgent Genetics
Classification: Uncertain significance for Bardet-Biedl syndrome 9. Last evaluated: 2024-03-06. Review status: criteria provided, single submitter. Criteria: ACMG Guidelines, 2015. Collection method: clinical testing. Allele origin: germline.

Blueprint Genetics
Classification: Likely benign. Last evaluated: 2019-12-22. Review status: criteria provided, single submitter. Criteria: ACMG Guidelines, 2015. Collection method: clinical testing. Allele origin: germline.

PreventionGenetics, part of Exact Sciences
Classification: Likely benign for BBS9-related condition. Last evaluated: 2020-06-30. Review status: no assertion criteria provided. Collection method: clinical testing. Allele origin: germline. Not counted in ClinVar's aggregate classification.
Comment: This variant is classified as likely benign based on ACMG/AMP sequence variant interpretation guidelines (Richards et al. 2015 PMID: 25741868, with internal and published modifications).